The following is an entry in ClinVar:

ClinVar aggregate classification (germline): Uncertain significance (1 of 4 stars; one submission).

Conditions:
GLUT1 deficiency syndrome 1, autosomal recessive. Identifiers: MedGen C3149117.

Submission:

Labcorp Genetics (formerly Invitae), Labcorp
Classification: Uncertain significance for GLUT1 deficiency syndrome 1, autosomal recessive. Last evaluated: 2025-12-08. Review status: criteria provided, single submitter. Criteria: Invitae Variant Classification Sherloc (09022015). Collection method: clinical testing. Allele origin: germline.
Comment: This sequence change replaces lysine, which is basic and polar, with threonine, which is neutral and polar, at codon 245 of the SLC2A1 protein (p.Lys245Thr). This variant is not present in population databases (gnomAD no frequency). This missense change has been observed in individual(s) with clinical features of SLC2A1-related conditions (PMID: 28443597). ClinVar contains an entry for this variant (Variation ID: 2733881). Invitae Evidence Modeling of protein sequence and biophysical properties (such as structural, functional, and spatial information, amino acid conservation, physicochemical variation, residue mobility, and thermodynamic stability) indicates that this missense variant is expected to disrupt SLC2A1 protein function with a positive predictive value of 95%. In summary, the available evidence is currently insufficient to determine the role of this variant in disease. Therefore, it has been classified as a Variant of Uncertain Significance.

Literature cited by the submitters: PubMed 28443597.

NM_006516.4(SLC2A1):c.734A>C (p.Lys245Thr)

Gene: SLC2A1 (solute carrier family 2 member 1; minus strand). Cytogenetic location: 1p34.2.
Variant type: single nucleotide variant.
Coding change: c.734A>C on transcript NM_006516.4 (MANE Select); coding-DNA position 734, A replaced by C.
Protein change: p.Lys245Thr; replaces lysine 245 with threonine.
Molecular consequence: missense variant.
Genome position (GRCh38, 1-based): chr1:42,929,726, T>G on the plus strand (A>C on the coding strand, the complement: SLC2A1 is on the minus strand). VCF-style: chr1-42929726-T-G. GRCh37 (hg19) VCF-style: chr1-43395397-T-G.
Other names: short protein forms K245T.
Identifiers: ClinVar variation 2733881 (VCV002733881.3), dbSNP rs773788706, ClinGen allele CA339958050.